The following is an entry in ClinVar:

NM_002350.4(LYN):c.73C>T (p.Arg25Cys)

Gene: LYN (LYN proto-oncogene, Src family tyrosine kinase; plus strand). Cytogenetic location: 8q12.1.
Variant type: single nucleotide variant.
Coding change: c.73C>T on transcript NM_002350.4 (MANE Select); coding-DNA position 73, C replaced by T.
Protein change: p.Arg25Cys; replaces arginine 25 with cysteine.
Molecular consequence: missense variant. On other transcripts: intron variant (1).
Genome position (GRCh38, 1-based): chr8:55,941,932, C>T. VCF-style: chr8-55941932-C-T. GRCh37 (hg19) VCF-style: chr8-56854491-C-T.
Other names: c.69+4C>T (NM_001111097.3); short protein forms R25C.
Identifiers: ClinVar variation 3717863 (VCV003717863.2).
Genomic context (GRCh38, chr8:55,941,932, plus strand): 5'-AAATCAAAAGGGAAAGACAGCTTGAGTGACGATGGAGTAGATTTGAAGACTCAACCAGTA[C>T]GTAATACTGAAAGAACTATTTATGTGAGAGATCCAACGTCCAATAAACAGCAAAGGCCAG-3'
Protein context (NP_002341.1, residues 15-35): DGVDLKTQPV[Arg25Cys]NTERTIYVRD

ClinVar aggregate classification (germline): Uncertain significance (1 of 4 stars; one submission).

gnomAD v4.1: 18 of 1,611,636 alleles (0.0011%); highest among the groups gnomAD compares: African/African-American, 0.0013%; no homozygotes.

Submission:

Labcorp Genetics (formerly Invitae), Labcorp
Classification: Uncertain significance. Last evaluated: 2024-03-19. Review status: criteria provided, single submitter. Criteria: Invitae Variant Classification Sherloc (09022015). Collection method: clinical testing. Allele origin: germline.
Comment: This sequence change replaces arginine, which is basic and polar, with cysteine, which is neutral and slightly polar, at codon 25 of the LYN protein (p.Arg25Cys). This variant is present in population databases (rs769769478, gnomAD 0.009%). This variant has not been reported in the literature in individuals affected with LYN-related conditions. An algorithm developed to predict the effect of missense changes on protein structure and function (PolyPhen-2) suggests that this variant is likely to be tolerated. In summary, the available evidence is currently insufficient to determine the role of this variant in disease. Therefore, it has been classified as a Variant of Uncertain Significance.